The following is an entry in ClinVar:

NM_000642.3(AGL):c.3634A>G (p.Met1212Val)

Gene: AGL (amylo-alpha-1,6-glucosidase and 4-alpha-glucanotransferase; plus strand). Cytogenetic location: 1p21.2.
Variant type: single nucleotide variant.
Coding change: c.3634A>G on transcript NM_000642.3 (MANE Select); coding-DNA position 3634, A replaced by G.
Protein change: p.Met1212Val; replaces methionine 1212 with valine.
Molecular consequence: missense variant.
Genome position (GRCh38, 1-based): chr1:99,902,728, A>G. VCF-style: chr1-99902728-A-G. GRCh37 (hg19) VCF-style: chr1-100368284-A-G.
Other names: c.3634A>G, p.Met1212Val (NM_000028.3, NM_000643.3, NM_000644.3 and 1 more transcripts); c.3586A>G, p.Met1196Val (NM_000646.3); c.3613A>G, p.Met1205Val (NM_001425326.1); c.3433A>G, p.Met1145Val (NM_001425327.1); c.3430A>G, p.Met1144Val (NM_001425328.1); c.3295A>G, p.Met1099Val (NM_001425329.1); c.3256A>G, p.Met1086Val (NM_001425332.1); short protein forms M1196V, M1212V, M1086V, M1099V, M1144V, M1145V, M1205V.
Identifiers: ClinVar variation 1410829 (VCV001410829.8), dbSNP rs1653939546, ClinGen allele CA341334650.
Genomic context (GRCh38, chr1:99,902,728, plus strand): 5'-TTATGTCTCAAACAGGATCAGCCATTGTTTGAAGTCATACAGGAAGCAATGCAAAAACAC[A>G]TGCAGGGCATACAGTTCCGAGAAAGGAATGCTGGTCCCCAGATAGATCGAAACATGAAGG-3'
Protein context (NP_000633.2, residues 1202-1222): EVIQEAMQKH[Met1212Val]QGIQFRERNA

ClinVar aggregate classification (germline): Uncertain significance (1 of 4 stars; one submission).

Conditions:
Glycogen storage disease type III (GSD3). Also called: Cori disease; FORBES DISEASE. Identifiers: Orphanet 366, MedGen C0017922, MONDO:0009291, OMIM 232400.

Submission:

Labcorp Genetics (formerly Invitae), Labcorp
Classification: Uncertain significance for Glycogen storage disease type III. Last evaluated: 2020-11-17. Review status: criteria provided, single submitter. Criteria: Invitae Variant Classification Sherloc (09022015). Collection method: clinical testing. Allele origin: germline.
Comment: This sequence change replaces methionine with valine at codon 1212 of the AGL protein (p.Met1212Val). The methionine residue is weakly conserved and there is a small physicochemical difference between methionine and valine. This variant is not present in population databases (ExAC no frequency). This variant has not been reported in the literature in individuals with AGL-related conditions. Algorithms developed to predict the effect of missense changes on protein structure and function output the following: SIFT: "Tolerated"; PolyPhen-2: "Benign"; Align-GVGD: "Class C0". The valine amino acid residue is found in multiple mammalian species, suggesting that this missense change does not adversely affect protein function. These predictions have not been confirmed by published functional studies and their clinical significance is uncertain. In summary, the available evidence is currently insufficient to determine the role of this variant in disease. Therefore, it has been classified as a Variant of Uncertain Significance.